The following is an entry in ClinVar:

ClinVar aggregate classification (germline): Conflicting classifications of pathogenicity. Review status: criteria provided, conflicting classifications (1 of 4 stars). 2 submissions from 2 submitters: Uncertain significance (1); Likely benign (1). Last evaluated 2026-01-11.

Conditions:
Hereditary cancer-predisposing syndrome. Also called: Neoplastic Syndromes, Hereditary; Tumor predisposition; Hereditary Cancer Syndrome; Hereditary neoplastic syndrome. Identifiers: Orphanet 140162, MedGen C0027672, MeSH D009386, MONDO:0015356.
Birt-Hogg-Dube syndrome. Also called: Birt Hogg Dubé syndrome. Identifiers: Orphanet 122, MedGen C0346010, MONDO:0800444.

Allele frequency attached by ClinVar (database versions not stated): TOPMed below 0.00001.

Submissions (2):

Ambry Genetics
Classification: Likely benign for Hereditary cancer-predisposing syndrome. Last evaluated: 2026-01-11. Review status: criteria provided, single submitter. Criteria: Ambry Variant Classification Scheme 2023. Collection method: clinical testing. Allele origin: germline.

Labcorp Genetics (formerly Invitae), Labcorp
Classification: Uncertain significance for Birt-Hogg-Dube syndrome. Last evaluated: 2021-03-08. Review status: criteria provided, single submitter. Criteria: Invitae Variant Classification Sherloc (09022015). Collection method: clinical testing. Allele origin: germline.
Comment: In summary, the available evidence is currently insufficient to determine the role of this variant in disease. Therefore, it has been classified as a Variant of Uncertain Significance. Algorithms developed to predict the effect of missense changes on protein structure and function output the following: SIFT: "Tolerated"; PolyPhen-2: "Benign"; Align-GVGD: "Class C0". The serine amino acid residue is found in multiple mammalian species, suggesting that this missense change does not adversely affect protein function. These predictions have not been confirmed by published functional studies and their clinical significance is uncertain. This variant has not been reported in the literature in individuals with FLCN-related conditions. This variant is not present in population databases (ExAC no frequency). This sequence change replaces proline with serine at codon 428 of the FLCN protein (p.Pro428Ser). The proline residue is weakly conserved and there is a moderate physicochemical difference between proline and serine.

NM_144997.7(FLCN):c.1282C>T (p.Pro428Ser)

Gene: FLCN (folliculin; minus strand). Cytogenetic location: 17p11.2.
Variant type: single nucleotide variant.
Coding change: c.1282C>T on transcript NM_144997.7 (MANE Select); coding-DNA position 1282, C replaced by T.
Protein change: p.Pro428Ser; replaces proline 428 with serine.
Molecular consequence: missense variant.
Genome position (GRCh38, 1-based): chr17:17,216,398, G>A on the plus strand (C>T on the coding strand, the complement: FLCN is on the minus strand). VCF-style: chr17-17216398-G-A. GRCh37 (hg19) VCF-style: chr17-17119712-G-A.
Other names: c.1336C>T, p.Pro446Ser (NM_001353229.2); c.1282C>T, p.Pro428Ser (NM_001353230.2, NM_001353231.2); c.1282C>T (NM_144997.5); short protein forms P446S, P428S.
Identifiers: ClinVar variation 1514511 (VCV001514511.9), dbSNP rs368880414, ClinGen allele CA398531630.
Genomic context (GRCh38, chr17:17,216,398, plus strand): 5'-CTCAGCGCAGGGCATGGCCCCACAGCCCGCGGGGGCACGCACCTGAGGAGAGCACGTGGG[G>A]GGGGATCTGCACGTGCGGGCTGAGCCCCAGGAAGTTGCACCGATAGGCCTCCTCGTACTG-3'
Protein context (NP_659434.2, residues 418-438): LGLSPHVQIP[Pro428Ser]HVLSSEFAVI